The following is an entry in ClinVar:

NM_001042492.3(NF1):c.1458AAG[1] (p.Arg487del)

Gene: NF1 (neurofibromin 1; plus strand). Cytogenetic location: 17q11.2.
Variant type: Microsatellite.
Coding change: c.1458AAG[1] on transcript NM_001042492.3 (MANE Select); one copy of the 3-base unit AAG starting at c.1458; the reference has two copies in a row; one copy, 3 bases deleted.
Protein change: p.Arg487del; deletes arginine 487.
Molecular consequence: inframe deletion. On other transcripts: inframe indel (1).
Genome position (GRCh38, 1-based): chr17:31,214,519-31,214,521, AAG deleted; deleting any 3 consecutive bases within chr17:31,214,516-31,214,521 gives the same sequence; the position shown is the placement nearest the transcript's 3' end. VCF-style (leftmost placement, unchanged base first): chr17-31214515-CAAG-C. GRCh37 (hg19) VCF-style: chr17-29541533-CAAG-C.
Other names: c.1461_1463delAAG (NM_000267.3); c.1458_1460AAG[1], p.Arg487del (NM_000267.4); c.1458AAG[1], p.Arg487del (NM_001128147.3); short protein forms R487del.
Identifiers: ClinVar variation 3878985 (VCV003878985.1).

ClinVar aggregate classification (germline): Uncertain significance (1 of 4 stars; one submission).

Conditions:
Cardiovascular phenotype. Identifiers: MedGen CN230736.
Hereditary cancer-predisposing syndrome. Also called: Tumor predisposition; Neoplastic Syndromes, Hereditary; Hereditary Cancer Syndrome; Hereditary neoplastic syndrome. Identifiers: Orphanet 140162, MedGen C0027672, MeSH D009386, MONDO:0015356.

Submission:

Ambry Genetics
Classification: Uncertain significance for Cardiovascular phenotype; Hereditary cancer-predisposing syndrome. Last evaluated: 2024-12-16. Review status: criteria provided, single submitter. Criteria: Ambry Variant Classification Scheme 2023. Collection method: clinical testing. Allele origin: germline.
Comment: The c.1461_1463delAAG variant (also known as p.R487del) is located in coding exon 13 of the NF1 gene. This variant results from an in-frame AAG deletion at nucleotide positions 1461 to 1463. This results in the in-frame deletion of an arginine at codon 487. This amino acid position is well conserved in available vertebrate species. In addition, the in silico prediction for this alteration is inconclusive (Choi Y et al. PLoS ONE. 2012; 7(10):e46688). Based on the available evidence, the clinical significance of this variant remains unclear.